The following is an entry in ClinVar:

NM_020937.4(FANCM):c.375G>A (p.Met125Ile)

Gene: FANCM (FA complementation group M; plus strand). Cytogenetic location: 14q21.2.
Variant type: single nucleotide variant.
Coding change: c.375G>A on transcript NM_020937.4 (MANE Select); coding-DNA position 375, G replaced by A.
Protein change: p.Met125Ile; replaces methionine 125 with isoleucine.
Molecular consequence: missense variant.
Genome position (GRCh38, 1-based): chr14:45,136,406, G>A. VCF-style: chr14-45136406-G-A. GRCh37 (hg19) VCF-style: chr14-45605609-G-A.
Other names: c.375G>A, p.Met125Ile (NM_001308133.2, NM_001308134.2); short protein forms M125I.
Identifiers: ClinVar variation 2037648 (VCV002037648.4), dbSNP rs762068345, ClinGen allele CA7168745.

ClinVar aggregate classification (germline): Uncertain significance (1 of 4 stars; one submission).

Conditions:
Fanconi anemia (FA). Also called: Fanconi's anemia. Identifiers: Orphanet 84, MedGen C0015625, MeSH D005199, MONDO:0019391.

Allele frequency attached by ClinVar (database versions not stated): gnomAD 0.00001; gnomAD exomes below 0.00001; ExAC 0.00001; TOPMed 0.00001.

Submission:

Labcorp Genetics (formerly Invitae), Labcorp
Classification: Uncertain significance for Fanconi anemia. Last evaluated: 2022-02-25. Review status: criteria provided, single submitter. Criteria: Invitae Variant Classification Sherloc (09022015). Collection method: clinical testing. Allele origin: germline.
Comment: In summary, the available evidence is currently insufficient to determine the role of this variant in disease. Therefore, it has been classified as a Variant of Uncertain Significance. Algorithms developed to predict the effect of missense changes on protein structure and function are either unavailable or do not agree on the potential impact of this missense change (SIFT: "Tolerated"; PolyPhen-2: "Possibly Damaging"; Align-GVGD: "Class C0"). This variant has not been reported in the literature in individuals affected with FANCM-related conditions. This variant is present in population databases (rs762068345, gnomAD 0.006%). This sequence change replaces methionine, which is neutral and non-polar, with isoleucine, which is neutral and non-polar, at codon 125 of the FANCM protein (p.Met125Ile).